The following is an entry in ClinVar:

ClinVar aggregate classification (germline): Uncertain significance (1 of 4 stars; one submission).

Allele frequency attached by ClinVar (database versions not stated): ExAC 0.00002; gnomAD 0.00003; TOPMed 0.00004.
gnomAD v4.1: 26 of 1,614,026 alleles (0.0016%); highest among the groups gnomAD compares: Middle Eastern, 0.016%; no homozygotes.

Submission:

Labcorp Genetics (formerly Invitae), Labcorp
Classification: Uncertain significance. Last evaluated: 2025-07-15. Review status: criteria provided, single submitter. Criteria: Invitae Variant Classification Sherloc (09022015). Collection method: clinical testing. Allele origin: germline.
Comment: This sequence change replaces arginine, which is basic and polar, with cysteine, which is neutral and slightly polar, at codon 121 of the TFRC protein (p.Arg121Cys). This variant is present in population databases (rs779942371, gnomAD 0.004%). This variant has not been reported in the literature in individuals affected with TFRC-related conditions. ClinVar contains an entry for this variant (Variation ID: 1512537). Invitae Evidence Modeling of protein sequence and biophysical properties (such as structural, functional, and spatial information, amino acid conservation, physicochemical variation, residue mobility, and thermodynamic stability) has been performed for this missense variant. However, the output from this modeling did not meet the statistical confidence thresholds required to predict the impact of this variant on TFRC protein function. In summary, the available evidence is currently insufficient to determine the role of this variant in disease. Therefore, it has been classified as a Variant of Uncertain Significance.

NM_001128148.3(TFRC):c.361C>T (p.Arg121Cys)

Gene: TFRC (transferrin receptor; minus strand). Cytogenetic location: 3q29.
Variant type: single nucleotide variant.
Coding change: c.361C>T on transcript NM_001128148.3 (MANE Select); coding-DNA position 361, C replaced by T.
Protein change: p.Arg121Cys; replaces arginine 121 with cysteine.
Molecular consequence: missense variant. On other transcripts: intron variant (1).
Genome position (GRCh38, 1-based): chr3:196,074,003, G>A on the plus strand (C>T on the coding strand, the complement: TFRC is on the minus strand). VCF-style: chr3-196074003-G-A. GRCh37 (hg19) VCF-style: chr3-195800874-G-A.
Other names: c.118C>T, p.Arg40Cys (NM_001313965.2); c.361C>T, p.Arg121Cys (NM_003234.4); c.-412-1851C>T (NM_001313966.2); short protein forms R40C, R121C.
Identifiers: ClinVar variation 1512537 (VCV001512537.6), dbSNP rs779942371, ClinGen allele CA2778326.
Genomic context (GRCh38, chr3:196,074,003, plus strand): 5'-TGAAGTCTGTGCTGTCCAGTTTCTCCGACAACTTTCTCTTCAGGTCATCCCAATATAAGC[G>A]ACGTGCTGCAGGGAAGTCCTCTCCTGGCTCCTCCCTCACTGGAGACTCGGTTCCTGCCAG-3'
Protein context (NP_001121620.1, residues 111-131): EPGEDFPAAR[Arg121Cys]LYWDDLKRKL